The following is an entry in ClinVar:

NM_001378414.1(HDAC4):c.681C>T (p.His227=)

Gene: HDAC4 (histone deacetylase 4; minus strand). Cytogenetic location: 2q37.3.
Variant type: single nucleotide variant.
Coding change: c.681C>T on transcript NM_001378414.1 (MANE Select); coding-DNA position 681, C replaced by T.
Protein change: p.His227=; no amino-acid change (histidine 227 retained).
Molecular consequence: synonymous variant.
Genome position (GRCh38, 1-based): chr2:239,156,704, G>A on the plus strand (C>T on the coding strand, the complement: HDAC4 is on the minus strand). VCF-style: chr2-239156704-G-A. GRCh37 (hg19) VCF-style: chr2-240078400-G-A.
Other names: c.681C>T, p.His227= (NM_001378415.1, NM_001378416.1, NM_001378417.1 and 1 more transcripts).
Identifiers: ClinVar variation 198538 (VCV000198538.39), dbSNP rs148880349, ClinGen allele CA247244.

ClinVar aggregate classification (germline): Conflicting classifications of pathogenicity. Review status: criteria provided, conflicting classifications (1 of 4 stars). 4 submissions from 4 submitters: Uncertain significance (1); Benign (2); Likely benign (1). Last evaluated 2026-03-01.

Allele frequency attached by ClinVar (database versions not stated): TOPMed 0.00051; gnomAD exomes 0.00058 and 0.00072; ExAC 0.00063; gnomAD 0.00070 and 0.00073; ESP Exome Variant Server 0.00092.
gnomAD v4.1: 1,127 of 1,614,040 alleles (0.07%); highest among the groups gnomAD compares: Non-Finnish European, 0.091%; 2 homozygotes.

Submissions (4):

CeGaT Center for Human Genetics Tuebingen
Classification: Likely benign. Last evaluated: 2026-03-01. Review status: criteria provided, single submitter. Criteria: CeGaT Center For Human Genetics Tuebingen Variant Classification Criteria Version 2. Collection method: clinical testing. Allele origin: germline. Affected: yes. Observed: 6 variant alleles.
Comment: HDAC4: BP4, BP7

Labcorp Genetics (formerly Invitae), Labcorp
Classification: Benign. Last evaluated: 2025-12-03. Review status: criteria provided, single submitter. Criteria: Invitae Variant Classification Sherloc (09022015). Collection method: clinical testing. Allele origin: germline.

Blueprint Genetics
Classification: Benign. Last evaluated: 2024-11-18. Review status: criteria provided, single submitter. Criteria: ACMG Guidelines, 2015. Collection method: clinical testing. Allele origin: germline.

Eurofins Ntd Llc (ga)
Classification: Uncertain significance. Last evaluated: 2015-01-05. Review status: criteria provided, single submitter. Criteria: EGL Classification Definitions 2015. Collection method: clinical testing. Allele origin: germline. Observed: 1 variant allele, 1 heterozygote.